The following is an entry in ClinVar:

NM_000260.4(MYO7A):c.758A>G (p.His253Arg)

Gene: MYO7A (myosin VIIA; plus strand). Cytogenetic location: 11q13.5.
Variant type: single nucleotide variant.
Coding change: c.758A>G on transcript NM_000260.4 (MANE Select); coding-DNA position 758, A replaced by G.
Protein change: p.His253Arg; replaces histidine 253 with arginine.
Molecular consequence: missense variant.
Genome position (GRCh38, 1-based): chr11:77,157,301, A>G. VCF-style: chr11-77157301-A-G. GRCh37 (hg19) VCF-style: chr11-76868347-A-G.
Other names: c.758A>G, p.His253Arg (NM_001127180.2); c.725A>G, p.His242Arg (NM_001369365.1); short protein forms H253R, H242R.
Identifiers: ClinVar variation 179682 (VCV000179682.21), dbSNP rs375200566, ClinGen allele CA184923.

ClinVar aggregate classification (germline): Conflicting classifications of pathogenicity. Review status: criteria provided, conflicting classifications (1 of 4 stars). 7 submissions from 7 submitters: Uncertain significance (5); Likely benign (1). 1 of the submissions does not count toward it. Last evaluated 2026-03-06.

Conditions:
MYO7A-related disorder. Also called: MYO7A-related disorders.
Inborn genetic diseases. Identifiers: MedGen C0950123, MeSH D030342.
Usher syndrome type 1B (USH1B). Also called: Usher syndrome type IB. Identifiers: MedGen C1848638, MONDO:0700087.

Allele frequency attached by ClinVar (database versions not stated): gnomAD exomes 0.00005 and 0.00008; ExAC 0.00010; ESP Exome Variant Server 0.00016; 1000 Genomes Project 0.00020; TOPMed 0.00022; gnomAD 0.00026 and 0.00027; 1000 Genomes Project 30x 0.00031.
gnomAD v4.1: 116 of 1,611,582 alleles (0.0072%); highest among the groups gnomAD compares: African/African-American, 0.069%; no homozygotes.

Submissions (7):

PreventionGenetics, part of Exact Sciences
Classification: Uncertain significance for MYO7A-related condition. Last evaluated: 2026-03-06. Review status: criteria provided, single submitter. Criteria: ACMG Guidelines, 2015. Collection method: clinical testing. Allele origin: germline.
Comment: The MYO7A c.758A>G variant is predicted to result in the amino acid substitution p.His253Arg. To our knowledge, this variant has not been reported in the literature. This variant is reported in 0.077% of alleles in individuals of African descent in gnomAD. Although we suspect that this variant may be benign, at this time, the clinical significance of this variant is uncertain due to the absence of conclusive functional and genetic evidence.

Labcorp Genetics (formerly Invitae), Labcorp
Classification: Likely benign. Last evaluated: 2026-01-29. Review status: criteria provided, single submitter. Criteria: Invitae Variant Classification Sherloc (09022015). Collection method: clinical testing. Allele origin: germline.

GeneDx
Classification: Uncertain significance. Last evaluated: 2025-08-05. Review status: criteria provided, single submitter. Criteria: GeneDx Variant Classification Process June 2021. Collection method: clinical testing. Allele origin: germline. Affected: yes.
Comment: In silico analysis supports that this missense variant has a deleterious effect on protein structure/function; Has not been previously published as pathogenic or benign to our knowledge

Ambry Genetics
Classification: Uncertain significance for Inborn genetic diseases. Last evaluated: 2024-09-30. Review status: criteria provided, single submitter. Criteria: Ambry Variant Classification Scheme 2023. Collection method: clinical testing. Allele origin: germline.

Blueprint Genetics
Classification: Uncertain significance. Last evaluated: 2024-01-12. Review status: criteria provided, single submitter. Criteria: ACMG Guidelines, 2015. Collection method: clinical testing. Allele origin: germline.

Laboratory for Molecular Medicine, Mass General Brigham Personalized Medicine
Classification: Uncertain significance. Last evaluated: 2014-04-04. Review status: criteria provided, single submitter. Criteria: LMM Criteria. Collection method: clinical testing. Allele origin: germline. Observed: 1 variant allele.
Comment: The His253Arg variant in MYO7A has not been previously reported in individuals w ith hearing loss, but has been identified in 0.05% (2/3912) of African American chromosomes by the NHLBI Exome Sequencing Project (EVS/). Although this variant has been seen in the general population, its freque ncy is not high enough to rule out pathogenicity. Computational prediction tools and conservation analyses do not provide strong support for or against an impac t to the protein. In summary, additional information is needed to determine the clinical significance of this variant.

Natera, Inc.
Classification: Uncertain significance for Usher syndrome type 1B. Last evaluated: 2019-11-11. Review status: no assertion criteria provided. Collection method: clinical testing. Allele origin: germline. Not counted in ClinVar's aggregate classification.